The following is an entry in ClinVar:

NM_001099274.3(TINF2):c.529A>T (p.Met177Leu)

Gene: TINF2 (TERF1 interacting nuclear factor 2; minus strand). Cytogenetic location: 14q12.
Variant type: single nucleotide variant.
Coding change: c.529A>T on transcript NM_001099274.3 (MANE Select); coding-DNA position 529, A replaced by T.
Protein change: p.Met177Leu; replaces methionine 177 with leucine.
Molecular consequence: missense variant.
Genome position (GRCh38, 1-based): chr14:24,241,095, T>A on the plus strand (A>T on the coding strand, the complement: TINF2 is on the minus strand). VCF-style: chr14-24241095-T-A. GRCh37 (hg19) VCF-style: chr14-24710301-T-A.
Other names: c.424A>T, p.Met142Leu (NM_001363668.2); c.529A>T, p.Met177Leu (NM_012461.3); short protein forms M142L, M177L.
Identifiers: ClinVar variation 2919943 (VCV002919943.3), dbSNP rs755883773, ClinGen allele CA7130622.

ClinVar aggregate classification (germline): Uncertain significance (1 of 4 stars; one submission).

Conditions:
Dyskeratosis congenita. Identifiers: Orphanet 1775, MedGen C0265965, MONDO:0015780.

Allele frequency attached by ClinVar (database versions not stated): gnomAD exomes below 0.00001; ExAC 0.00001.

Submission:

Labcorp Genetics (formerly Invitae), Labcorp
Classification: Uncertain significance for Dyskeratosis congenita. Last evaluated: 2024-10-22. Review status: criteria provided, single submitter. Criteria: Invitae Variant Classification Sherloc (09022015). Collection method: clinical testing. Allele origin: germline.
Comment: This sequence change replaces methionine, which is neutral and non-polar, with leucine, which is neutral and non-polar, at codon 177 of the TINF2 protein (p.Met177Leu). This variant is present in population databases (rs755883773, gnomAD 0.006%). This variant has not been reported in the literature in individuals affected with TINF2-related conditions. An algorithm developed to predict the effect of missense changes on protein structure and function outputs the following: PolyPhen-2: "Benign". The leucine amino acid residue is found in multiple mammalian species, which suggests that this missense change does not adversely affect protein function. In summary, the available evidence is currently insufficient to determine the role of this variant in disease. Therefore, it has been classified as a Variant of Uncertain Significance.